The following is an entry in ClinVar:

NM_001754.5(RUNX1):c.991A>C (p.Ser331Arg)

Gene: RUNX1 (RUNX family transcription factor 1; minus strand). Cytogenetic location: 21q22.12.
Variant type: single nucleotide variant.
Coding change: c.991A>C on transcript NM_001754.5 (MANE Select); coding-DNA position 991, A replaced by C.
Protein change: p.Ser331Arg; replaces serine 331 with arginine.
Molecular consequence: missense variant.
Genome position (GRCh38, 1-based): chr21:34,792,587, T>G on the plus strand (A>C on the coding strand, the complement: RUNX1 is on the minus strand). VCF-style: chr21-34792587-T-G. GRCh37 (hg19) VCF-style: chr21-36164884-T-G.
Other names: NM_001754.5(RUNX1):c.991A>C; p.Ser331Arg; c.910A>C, p.Ser304Arg (NM_001001890.3); c.991A>C (NM_001754.4); short protein forms S304R, S331R.
Identifiers: ClinVar variation 1023243 (VCV001023243.11), dbSNP rs937059549, ClinGen allele CA410148750.
Genomic context (GRCh38, chr21:34,792,587, plus strand): 5'-CTGGATAGTGCATGCGGGGGTCGGAGATGGAGGGCAGCGCGGGGAACTGGCGCGGGTCGC[T>G]GAACGCTGTCAGGTCGGGTGCCGCTGCAGGGCGGGCAAGAGAACGGAGCGGAAGTGAGTA-3'
Protein context (NP_001745.2, residues 321-341): LSTAPDLTAF[Ser331Arg]DPRQFPALPS

ClinVar aggregate classification (germline): Uncertain significance. Review status: reviewed by expert panel (3 of 4 stars). 3 submissions from 3 submitters: Uncertain significance (1). 2 of the submissions do not count toward it. Last evaluated 2024-08-12.

Conditions:
Hereditary thrombocytopenia and hematological cancer predisposition syndrome associated with RUNX1. Also called: Familial Platelet Disorder with Propensity to Acute Myelogenous Leukemia; Familial thrombocytopenia with propensity to acute myelogenous leukemia; RUNX1 Familial Platelet Disorder with Associated Myeloid Malignancies; PLATELET DISORDER, ASPIRIN-LIKE. Identifiers: Orphanet 71290, MedGen C1832388, MeSH C563324, MONDO:0100083, OMIM 601399.
Inborn genetic diseases. Identifiers: MedGen C0950123, MeSH D030342.
Hereditary thrombocytopenia and hematologic cancer predisposition syndrome. Identifiers: Orphanet 71290, MedGen CN281654, MONDO:0011071.

gnomAD v4.1: 1 of 1,599,414 alleles (0.000063%); highest among the groups gnomAD compares: Non-Finnish European, 0.000085%; no homozygotes.

Submissions (3):

ClinGen Myeloid Malignancy Variant Curation Expert Panel
Classification: Uncertain significance for Hereditary thrombocytopenia and hematologic cancer predisposition syndrome. Last evaluated: 2024-08-12. Review status: reviewed by expert panel. Criteria: ClinGen MyeloMalig ACMG Specifications v2. Collection method: curation. Allele origin: germline. Inheritance: Autosomal dominant inheritance.
Comment: NM_001754.5(RUNX1):c.991A>C (p.Ser331Arg) is a missense variant which is absent from gnomAD v2 and v3 (PM2_Supporting). The computational predictor REVEL gives a score of 0.106, and the splice site predictor SpliceAI indicated no impact on splicing, evidence that does not predict a damaging effect on RUNX1 function (BP4). In summary, this variant meets the criteria to be classified as a VUS for autosomal dominant hereditary thrombocytopenia and hematologic cancer predisposition syndrome based on the ACMG/AMP criteria applied, as specified by the ClinGen Myeloid Malignancy VCEP: PM2_Supporting and BP4.

Ambry Genetics
Classification: Uncertain significance for Inborn genetic diseases. Last evaluated: 2026-05-05. Review status: criteria provided, single submitter. Criteria: Ambry Variant Classification Scheme 2023. Collection method: clinical testing. Allele origin: germline. Not counted in ClinVar's aggregate classification.
Comment: The p.S331R variant (also known as c.991A>C), located in coding exon 8 of the RUNX1 gene, results from an A to C substitution at nucleotide position 991. The serine at codon 331 is replaced by arginine, an amino acid with dissimilar properties. This amino acid position is poorly conserved in available vertebrate species. In addition, this alteration is predicted to be tolerated by in silico analysis. Based on the available evidence, the clinical significance of this variant remains unclear.

Labcorp Genetics (formerly Invitae), Labcorp
Classification: Uncertain significance for Hereditary thrombocytopenia and hematological cancer predisposition syndrome associated with RUNX1. Last evaluated: 2020-02-21. Review status: criteria provided, single submitter. Criteria: Invitae Variant Classification Sherloc (09022015). Collection method: clinical testing. Allele origin: germline. Not counted in ClinVar's aggregate classification.
Comment: Algorithms developed to predict the effect of missense changes on protein structure and function are either unavailable or do not agree on the potential impact of this missense change (SIFT: "Tolerated"; PolyPhen-2: "Possibly Damaging"; Align-GVGD: "Class C0"). This sequence change replaces serine with arginine at codon 331 of the RUNX1 protein (p.Ser331Arg). The serine residue is weakly conserved and there is a moderate physicochemical difference between serine and arginine. This variant is not present in population databases (ExAC no frequency). This variant has not been reported in the literature in individuals with RUNX1-related conditions. In summary, the available evidence is currently insufficient to determine the role of this variant in disease. Therefore, it has been classified as a Variant of Uncertain Significance.